The following is an entry in ClinVar:

ClinVar aggregate classification (germline): Likely pathogenic (1 of 4 stars; one submission).

Conditions:
EPILEPSY, CHILDHOOD ABSENCE, SUSCEPTIBILITY TO, 2 (ECA2). Identifiers: Orphanet 64280, MedGen C1843244, OMIM 607681.
Febrile seizures, familial, 8 (FEB8). Also called: CONVULSIONS, FAMILIAL FEBRILE, 8. Identifiers: Orphanet 36387, MedGen C1969810, MONDO:0011891, OMIM 607681.

Submission:

Labcorp Genetics (formerly Invitae), Labcorp
Classification: Likely pathogenic for Familial febrile seizures 8; Epilepsy, childhood absence 2. Last evaluated: 2019-11-13. Review status: criteria provided, single submitter. Criteria: Invitae Variant Classification Sherloc (09022015). Collection method: clinical testing. Allele origin: germline.
Comment: This sequence change replaces isoleucine with threonine at codon 321 of the GABRG2 protein (p.Ile321Thr). The isoleucine residue is highly conserved and there is a moderate physicochemical difference between isoleucine and threonine. This variant is not present in population databases (ExAC no frequency). This variant has been observed in individual(s) with clinical features of generalized epilepsy with febrile seizures plus (GEFS+) (Invitae). In at least one individual the variant was observed to be de novo. Algorithms developed to predict the effect of missense changes on protein structure and function are either unavailable or do not agree on the potential impact of this missense change (SIFT: "Tolerated"; PolyPhen-2: "Probably Damaging"; Align-GVGD: "Class C0"). In summary, the currently available evidence indicates that the variant is pathogenic, but additional data are needed to prove that conclusively. Therefore, this variant has been classified as Likely Pathogenic.

NM_198904.4(GABRG2):c.962T>C (p.Ile321Thr)

Gene: GABRG2 (gamma-aminobutyric acid type A receptor subunit gamma2; plus strand). Cytogenetic location: 5q34.
Variant type: single nucleotide variant.
Coding change: c.962T>C on transcript NM_198904.4 (MANE Select); coding-DNA position 962, T replaced by C.
Protein change: p.Ile321Thr; replaces isoleucine 321 with threonine.
Molecular consequence: missense variant. On other transcripts: intron variant (1).
Genome position (GRCh38, 1-based): chr5:162,149,147, T>C. VCF-style: chr5-162149147-T-C. GRCh37 (hg19) VCF-style: chr5-161576153-T-C.
Other names: c.962T>C, p.Ile321Thr (NM_000816.3); c.953T>C, p.Ile318Thr (NM_001375339.1); c.959T>C, p.Ile320Thr (NM_001375341.1, NM_001375342.1); c.1082T>C, p.Ile361Thr (NM_001375343.1, NM_198903.2); c.1001T>C, p.Ile334Thr (NM_001375344.1); c.896T>C, p.Ile299Thr (NM_001375345.1, NM_001375346.1); c.875T>C, p.Ile292Thr (NM_001375347.1); c.542T>C, p.Ile181Thr (NM_001375348.1, NM_001375350.1); and 2 more; short protein forms I181T, I292T, I361T, I299T, I318T, I320T, I321T, I334T.
Identifiers: ClinVar variation 936276 (VCV000936276.1), dbSNP rs1765175867, ClinGen allele CA362182378.